The following is an entry in ClinVar:

NM_002439.5(MSH3):c.2254-3T>C

Gene: MSH3 (mutS homolog 3; plus strand). Cytogenetic location: 5q14.1.
Variant type: single nucleotide variant.
Coding change: c.2254-3T>C on transcript NM_002439.5 (MANE Select); 3 bases into the intron before coding-DNA position 2254, T replaced by C.
Molecular consequence: intron variant.
Genome position (GRCh38, 1-based): chr5:80,775,691, T>C. VCF-style: chr5-80775691-T-C. GRCh37 (hg19) VCF-style: chr5-80071510-T-C.
Identifiers: ClinVar variation 855564 (VCV000855564.14), dbSNP rs1303151771, ClinGen allele CA560567393.
Genomic context (GRCh38, chr5:80,775,691, plus strand): 5'-GGAAAGCTTTAAAATATATAATGGTTACTTATCTAAATCTCTGTTTATTTGTATTTGTTT[T>C]AGTTTATGATAGAAATAAAGAACTCTGCTGTATCTTGTATACCAACTGATTGGGTAAAGG-3'

ClinVar aggregate classification (germline): Conflicting classifications of pathogenicity. Review status: criteria provided, conflicting classifications (1 of 4 stars). 3 submissions from 3 submitters: Uncertain significance (2); Likely benign (1). Last evaluated 2026-08-06.

Conditions:
Familial adenomatous polyposis 4 (FAP4). Also called: MSH3-related attenuated familial adenomatous polyposis. Identifiers: Orphanet 480536, MedGen C4310719, MONDO:0044300, OMIM 617100.
Hereditary cancer-predisposing syndrome. Also called: Hereditary Cancer Syndrome; Tumor predisposition; Hereditary neoplastic syndrome; Neoplastic Syndromes, Hereditary. Identifiers: Orphanet 140162, MedGen C0027672, MeSH D009386, MONDO:0015356.

Allele frequency attached by ClinVar (database versions not stated): TOPMed below 0.00001; gnomAD 0.00001; gnomAD exomes 0.00001.

Submissions (3):

OLLIN Analises Genomicas, OLLIN
Classification: Uncertain significance for Familial adenomatous polyposis 4. Last evaluated: 2026-08-06. Review status: criteria provided, single submitter. Criteria: ACMG Guidelines 2015 PMID 25741868. Collection method: clinical testing. Allele origin: germline. Inheritance: Autosomal dominant inheritance.
Comment: This variant, has been reported in ClinVar (accession VCV000855564.13) and in gnomAD with an allele frequency of 0.000204%. However, to our knowledge, it has not been reported in the scientific literature. According to the currently available evidence, this variant has been classified as uncertain significance (PM2_P, BP4).

Labcorp Genetics (formerly Invitae), Labcorp
Classification: Likely benign. Last evaluated: 2025-08-25. Review status: criteria provided, single submitter. Criteria: Invitae Variant Classification Sherloc (09022015). Collection method: clinical testing. Allele origin: germline.

Ambry Genetics
Classification: Uncertain significance for Hereditary cancer-predisposing syndrome. Last evaluated: 2025-08-05. Review status: criteria provided, single submitter. Criteria: Ambry Variant Classification Scheme 2023. Collection method: clinical testing. Allele origin: germline.
Comment: The c.2254-3T>C intronic variant results from a T to C substitution 3 nucleotides upstream from coding exon 16 in the MSH3 gene. This nucleotide position is well conserved in available vertebrate species. In silico splice site analysis predicts that this alteration will not have any significant effect on splicing. Since supporting evidence is limited at this time, the clinical significance of this alteration remains unclear.